The following is an entry in ClinVar:

ClinVar aggregate classification (germline): Conflicting classifications of pathogenicity. Review status: criteria provided, conflicting classifications (1 of 4 stars). 2 submissions from 2 submitters: Uncertain significance (1); Likely benign (1). Last evaluated 2025-12-11.

Conditions:
KBG syndrome (KBGS). Also called: ANKRD11-Related KBG Syndrome. Identifiers: Orphanet 2332, MedGen C0220687, MONDO:0007846, OMIM 148050.
Inborn genetic diseases. Identifiers: MedGen C0950123, MeSH D030342.

gnomAD v4.1: 14 of 1,614,058 alleles (0.00087%); highest among the groups gnomAD compares: African/African-American, 0.016%; no homozygotes.

Submissions (2):

Ambry Genetics
Classification: Likely benign for Inborn genetic diseases. Last evaluated: 2025-12-11. Review status: criteria provided, single submitter. Criteria: Ambry Variant Classification Scheme 2023. Collection method: clinical testing. Allele origin: germline.

Labcorp Genetics (formerly Invitae), Labcorp
Classification: Uncertain significance for KBG syndrome. Last evaluated: 2025-04-26. Review status: criteria provided, single submitter. Criteria: Invitae Variant Classification Sherloc (09022015). Collection method: clinical testing. Allele origin: germline.
Comment: This sequence change replaces glutamine, which is neutral and polar, with histidine, which is basic and polar, at codon 541 of the ANKRD11 protein (p.Gln541His). This variant is present in population databases (rs150236869, gnomAD 0.02%). This variant has not been reported in the literature in individuals affected with ANKRD11-related conditions. Invitae Evidence Modeling of protein sequence and biophysical properties (such as structural, functional, and spatial information, amino acid conservation, physicochemical variation, residue mobility, and thermodynamic stability) indicates that this missense variant is not expected to disrupt ANKRD11 protein function with a negative predictive value of 95%. In summary, the available evidence is currently insufficient to determine the role of this variant in disease. Therefore, it has been classified as a Variant of Uncertain Significance.

NM_013275.6(ANKRD11):c.1623G>C (p.Gln541His)

Gene: ANKRD11 (ankyrin repeat domain 11; minus strand). Cytogenetic location: 16q24.3.
Variant type: single nucleotide variant.
Coding change: c.1623G>C on transcript NM_013275.6 (MANE Select); coding-DNA position 1623, G replaced by C.
Protein change: p.Gln541His; replaces glutamine 541 with histidine.
Molecular consequence: missense variant.
Genome position (GRCh38, 1-based): chr16:89,284,919, C>G on the plus strand (G>C on the coding strand, the complement: ANKRD11 is on the minus strand). VCF-style: chr16-89284919-C-G. GRCh37 (hg19) VCF-style: chr16-89351327-C-G.
Other names: c.1623G>C, p.Gln541His (NM_001256182.2, NM_001256183.2); short protein forms Q541H.
Identifiers: ClinVar variation 4577932 (VCV004577932.2).